The following is an entry in ClinVar:

ClinVar aggregate classification (germline): Likely pathogenic (1 of 4 stars; one submission).

Conditions:
Retinal dystrophy. Also called: Inherited retinal dystrophy. Identifiers: Orphanet 71862, MedGen C0854723, MeSH D058499, MONDO:0019118, HP:0000556.

Submission:

Ophthalmic Genetics Group, Institute of Molecular and Clinical Ophthalmology Basel
Classification: Likely pathogenic for Retinal dystrophy. Last evaluated: 2024-05-27. Review status: criteria provided, single submitter. Criteria: ACMG Guidelines, 2015. Collection method: research. Allele origin: germline. Affected: yes. Observed: 13 variant alleles.
Comment: This variant was classified as Likely pathogenic based on ACMG criteria: PVS1_very strong and PM2_sup

Literature cited by the submitters: PubMed 40180963.

NM_006269.2:c.-12-1431_*285del

Gene: RP1 (RP1 axonemal microtubule associated; plus strand).
Variant type: Deletion.
Other names: NC_000011.9:g.55532084_55543198del; NP_006260.1:p.?; c.-12-1431_*285del (NM_006269.2).
Identifiers: ClinVar variation 3381768 (VCV003381768.2).